The following is an entry in ClinVar:

ClinVar aggregate classification (germline): Uncertain significance. Review status: criteria provided, multiple submitters, no conflicts (2 of 4 stars). 2 submissions from 2 submitters: Uncertain significance (2). Last evaluated 2023-06-12.

Allele frequency attached by ClinVar (database versions not stated): gnomAD 0.00001; TOPMed 0.00001; ExAC 0.00002.
gnomAD v4.1: 21 of 1,611,928 alleles (0.0013%); highest among the groups gnomAD compares: Middle Eastern, 0.033%; no homozygotes.

Submissions (3):

GeneDx
Classification: Uncertain significance. Last evaluated: 2023-06-12. Review status: criteria provided, single submitter. Criteria: GeneDx Variant Classification Process June 2021. Collection method: clinical testing. Allele origin: germline. Affected: yes.
Comment: Not observed at significant frequency in large population cohorts (gnomAD); In silico analysis supports that this missense variant does not alter protein structure/function; Has not been previously published as pathogenic or benign to our knowledge

Labcorp Genetics (formerly Invitae), Labcorp
Classification: Uncertain significance. Last evaluated: 2022-06-17. Review status: criteria provided, single submitter. Criteria: Invitae Variant Classification Sherloc (09022015). Collection method: clinical testing. Allele origin: germline.
Comment: This sequence change replaces aspartic acid, which is acidic and polar, with glycine, which is neutral and non-polar, at codon 1344 of the VPS13A protein (p.Asp1344Gly). This variant is present in population databases (rs199704970, gnomAD 0.003%). This variant has not been reported in the literature in individuals affected with VPS13A-related conditions. Algorithms developed to predict the effect of missense changes on protein structure and function output the following: SIFT: "Tolerated"; PolyPhen-2: "Benign"; Align-GVGD: "Class C0". The glycine amino acid residue is found in multiple mammalian species, which suggests that this missense change does not adversely affect protein function. In summary, the available evidence is currently insufficient to determine the role of this variant in disease. Therefore, it has been classified as a Variant of Uncertain Significance.

Dr. Peter K. Rogan Lab, Western University
No classification provided (evidence only). Condition: Familial cancer of breast. Review status: no classification provided. Collection method: in vitro. Allele origin: not applicable. Functional consequence: retained intron. Not counted in ClinVar's aggregate classification.

NM_033305.3(VPS13A):c.4031A>G (p.Asp1344Gly)

Gene: VPS13A (vacuolar protein sorting 13 homolog A; plus strand). Cytogenetic location: 9q21.2.
Variant type: single nucleotide variant.
Coding change: c.4031A>G on transcript NM_033305.3 (MANE Select); coding-DNA position 4031, A replaced by G.
Protein change: p.Asp1344Gly; replaces aspartic acid 1344 with glycine.
Molecular consequence: missense variant.
Genome position (GRCh38, 1-based): chr9:77,308,015, A>G. VCF-style: chr9-77308015-A-G. GRCh37 (hg19) VCF-style: chr9-79922931-A-G.
Other names: c.3914A>G, p.Asp1305Gly (NM_001018037.2); c.4031A>G, p.Asp1344Gly (NM_001018038.3, NM_015186.4); c.4031A>G (NM_033305.2); short protein forms D1305G, D1344G.
Identifiers: ClinVar variation 1895831 (VCV001895831.4), dbSNP rs199704970, ClinGen allele CA5092417.